The following is an entry in ClinVar:

ClinVar aggregate classification (germline): Uncertain significance. Review status: criteria provided, multiple submitters, no conflicts (2 of 4 stars). 3 submissions from 3 submitters: Uncertain significance (3). Last evaluated 2025-04-17.

Conditions:
Inborn genetic diseases. Identifiers: MedGen C0950123, MeSH D030342.
Cenani-Lenz syndactyly syndrome. Also called: CENANI SYNDACTYLISM; SYNDACTYLY, TYPE VII. Identifiers: Orphanet 3258, MedGen C1859309, MONDO:0008931, OMIM 212780.
Congenital myasthenic syndrome 17. Identifiers: Orphanet 590, MedGen C4225377, MONDO:0014578, OMIM 616304.
Sclerosteosis 2 (SOST2). Identifiers: Orphanet 3152, MedGen C3280402, MONDO:0013679, OMIM 614305.

Allele frequency attached by ClinVar (database versions not stated): gnomAD 0.00001; TOPMed 0.00002; ESP Exome Variant Server 0.00008.
gnomAD v4.1: 38 of 1,614,086 alleles (0.0024%); highest among the groups gnomAD compares: Admixed American, 0.0033%; no homozygotes.

Submissions (3):

Ambry Genetics
Classification: Uncertain significance for Inborn genetic diseases. Last evaluated: 2025-04-17. Review status: criteria provided, single submitter. Criteria: Ambry Variant Classification Scheme 2023. Collection method: clinical testing. Allele origin: germline.

Labcorp Genetics (formerly Invitae), Labcorp
Classification: Uncertain significance for Cenani-Lenz syndactyly syndrome; Sclerosteosis 2; Congenital myasthenic syndrome 17. Last evaluated: 2021-08-31. Review status: criteria provided, single submitter. Criteria: Invitae Variant Classification Sherloc (09022015). Collection method: clinical testing. Allele origin: germline.
Comment: This sequence change replaces arginine with histidine at codon 284 of the LRP4 protein (p.Arg284His). The arginine residue is highly conserved and there is a small physicochemical difference between arginine and histidine. This variant is present in population databases (rs369307795, ExAC 0.009%). This variant has not been reported in the literature in individuals affected with LRP4-related conditions. Algorithms developed to predict the effect of missense changes on protein structure and function output the following: SIFT: "Deleterious"; PolyPhen-2: "Benign"; Align-GVGD: "Class C0". The histidine amino acid residue is found in multiple mammalian species, which suggests that this missense change does not adversely affect protein function. In summary, the available evidence is currently insufficient to determine the role of this variant in disease. Therefore, it has been classified as a Variant of Uncertain Significance.

Illumina Laboratory Services, Illumina
Classification: Uncertain significance for Cenani-Lenz syndactyly syndrome. Last evaluated: 2018-01-13. Review status: criteria provided, single submitter. Criteria: ICSL Variant Classification Criteria 13 December 2019. Collection method: clinical testing. Allele origin: germline.

NM_002334.4(LRP4):c.851G>A (p.Arg284His)

Gene: LRP4 (LDL receptor related protein 4; minus strand). Cytogenetic location: 11p11.2.
Variant type: single nucleotide variant.
Coding change: c.851G>A on transcript NM_002334.4 (MANE Select); coding-DNA position 851, G replaced by A.
Protein change: p.Arg284His; replaces arginine 284 with histidine.
Molecular consequence: missense variant.
Genome position (GRCh38, 1-based): chr11:46,896,940, C>T on the plus strand (G>A on the coding strand, the complement: LRP4 is on the minus strand). VCF-style: chr11-46896940-C-T. GRCh37 (hg19) VCF-style: chr11-46918491-C-T.
Other names: short protein forms R284H.
Identifiers: ClinVar variation 572607 (VCV000572607.10), dbSNP rs369307795, ClinGen allele CA5970350.